The following is an entry in ClinVar:

NM_001144952.2(SDK2):c.2448C>A (p.Ser816Arg)

Gene: SDK2 (sidekick cell adhesion molecule 2; minus strand). Cytogenetic location: 17q25.1.
Variant type: single nucleotide variant.
Coding change: c.2448C>A on transcript NM_001144952.2 (MANE Select); coding-DNA position 2448, C replaced by A.
Protein change: p.Ser816Arg; replaces serine 816 with arginine.
Molecular consequence: missense variant.
Genome position (GRCh38, 1-based): chr17:73,414,680, G>T on the plus strand (C>A on the coding strand, the complement: SDK2 is on the minus strand). VCF-style: chr17-73414680-G-T. GRCh37 (hg19) VCF-style: chr17-71410819-G-T.
Other names: c.2448C>A (NM_001144952.1); short protein forms S816R.
Identifiers: ClinVar variation 2648183 (VCV002648183.25), dbSNP rs143251430, ClinGen allele CA8743483.

ClinVar aggregate classification (germline): Likely benign. Review status: criteria provided, single submitter (1 of 4 stars). 2 submissions from 2 submitters: Likely benign (1). 1 of the submissions does not count toward it. Last evaluated 2023-04-01.

Conditions:
SDK2-related disorder. Also called: SDK2-related condition.

Allele frequency attached by ClinVar (database versions not stated): 1000 Genomes Project 0.00060; 1000 Genomes Project 30x 0.00078; ESP Exome Variant Server 0.00246.
gnomAD v4.1: 6,214 of 1,613,860 alleles (0.39%); highest among the groups gnomAD compares: Non-Finnish European, 0.47%; 19 homozygotes.

Submissions (2):

CeGaT Center for Human Genetics Tuebingen
Classification: Likely benign. Last evaluated: 2023-04-01. Review status: criteria provided, single submitter. Criteria: CeGaT Center For Human Genetics Tuebingen Variant Classification Criteria Version 2. Collection method: clinical testing. Allele origin: germline. Affected: yes. Observed: 2 variant alleles.
Comment: SDK2: BS2

PreventionGenetics, part of Exact Sciences
Classification: Likely benign for SDK2-related condition. Last evaluated: 2020-04-01. Review status: no assertion criteria provided. Collection method: clinical testing. Allele origin: germline. Not counted in ClinVar's aggregate classification.
Comment: This variant is classified as likely benign based on ACMG/AMP sequence variant interpretation guidelines (Richards et al. 2015 PMID: 25741868, with internal and published modifications).